The following is an entry in ClinVar:

ClinVar aggregate classification (germline): Likely benign. Review status: criteria provided, multiple submitters, no conflicts (2 of 4 stars). 2 submissions from 2 submitters: Likely benign (2). Last evaluated 2025-06-10.

Conditions:
Distal hereditary motor neuropathy type 2. Identifiers: Orphanet 139525, MedGen C3711384, MeSH C580044, MONDO:0015352.

Allele frequency attached by ClinVar (database versions not stated): gnomAD exomes below 0.00001 and 0.00007; gnomAD 0.00003; TOPMed 0.00003.

Submissions (2):

Women's Health and Genetics/Laboratory Corporation of America, LabCorp
Classification: Likely benign. Last evaluated: 2025-06-10. Review status: criteria provided, single submitter. Criteria: LabCorp Variant Classification Summary - May 2015. Collection method: clinical testing. Allele origin: germline.
Comment: Variant summary: FBXO38 c.2429-19_2429-18insC alters a nucleotide located at a position not widely known to affect splicing. Consensus agreement among computation tools predict no significant impact on normal splicing. However, these predictions have yet to be confirmed by functional studies. The variant allele was found at a frequency of 4.4e-06 in 226488 control chromosomes. The available data on variant occurrences in the general population are insufficient to allow any conclusion about variant significance. To our knowledge, no occurrence of c.2429-19_2429-18insC in individuals affected with Neuronopathy, distal hereditary motor, type 2D and no experimental evidence demonstrating its impact on protein function have been reported. ClinVar contains an entry for this variant (Variation ID: 1596376). Based on the evidence outlined above, the variant was classified as likely benign.

Labcorp Genetics (formerly Invitae), Labcorp
Classification: Likely benign for Distal hereditary motor neuropathy type 2. Last evaluated: 2025-04-30. Review status: criteria provided, single submitter. Criteria: Invitae Variant Classification Sherloc (09022015). Collection method: clinical testing. Allele origin: germline.

NM_205836.3(FBXO38):c.2654-19_2654-18insC

Gene: FBXO38 (F-box protein 38; plus strand). Cytogenetic location: 5q32.
Variant type: Insertion.
Coding change: c.2654-19_2654-18insC on transcript NM_205836.3 (MANE Select); 19 bases into the intron before coding-DNA position 2654 through 18 bases into the intron before coding-DNA position 2654, C inserted.
Molecular consequence: intron variant.
Genome position: GRCh38 VCF-style: chr5-148433405-T-TC. GRCh37 (hg19) VCF-style: chr5-147812968-T-TC.
Other names: c.2429-19_2429-18insC (NM_030793.5); c.1919-19_1919-18insC (NM_001271723.2).
Identifiers: ClinVar variation 1596376 (VCV001596376.9), dbSNP rs1348325085, ClinGen allele CA563954959.